The following is an entry in ClinVar:

NM_002335.4(LRP5):c.4759G>A (p.Glu1587Lys)

Gene: LRP5 (LDL receptor related protein 5; plus strand). Cytogenetic location: 11q13.2.
Variant type: single nucleotide variant.
Coding change: c.4759G>A on transcript NM_002335.4 (MANE Select); coding-DNA position 4759, G replaced by A.
Protein change: p.Glu1587Lys; replaces glutamic acid 1587 with lysine.
Molecular consequence: missense variant.
Genome position (GRCh38, 1-based): chr11:68,448,981, G>A. VCF-style: chr11-68448981-G-A. GRCh37 (hg19) VCF-style: chr11-68216449-G-A.
Other names: c.3016G>A, p.Glu1006Lys (NM_001291902.2); short protein forms E1006K, E1587K.
Identifiers: ClinVar variation 1035629 (VCV001035629.8), dbSNP rs2098682966, ClinGen allele CA381618546.

ClinVar aggregate classification (germline): Uncertain significance (1 of 4 stars; one submission).

Submission:

Labcorp Genetics (formerly Invitae), Labcorp
Classification: Uncertain significance. Last evaluated: 2022-05-27. Review status: criteria provided, single submitter. Criteria: Invitae Variant Classification Sherloc (09022015). Collection method: clinical testing. Allele origin: germline.
Comment: This variant has not been reported in the literature in individuals affected with LRP5-related conditions. This sequence change replaces glutamic acid, which is acidic and polar, with lysine, which is basic and polar, at codon 1587 of the LRP5 protein (p.Glu1587Lys). This variant is not present in population databases (gnomAD no frequency). ClinVar contains an entry for this variant (Variation ID: 1035629). Advanced modeling of protein sequence and biophysical properties (such as structural, functional, and spatial information, amino acid conservation, physicochemical variation, residue mobility, and thermodynamic stability) performed at Invitae indicates that this missense variant is expected to disrupt LRP5 protein function. In summary, the available evidence is currently insufficient to determine the role of this variant in disease. Therefore, it has been classified as a Variant of Uncertain Significance.